The following is an entry in ClinVar:

NM_001267550.2(TTN):c.11831T>A (p.Leu3944Ter)

Gene: TTN (titin; minus strand). Cytogenetic location: 2q31.2.
Variant type: single nucleotide variant.
Coding change: c.11831T>A on transcript NM_001267550.2 (MANE Select); coding-DNA position 11831, T replaced by A.
Protein change: p.Leu3944Ter; replaces leucine 3944 with a stop codon.
Molecular consequence: nonsense. On other transcripts: intron variant (1).
Genome position (GRCh38, 1-based): chr2:178,741,402, A>T on the plus strand (T>A on the coding strand, the complement: TTN is on the minus strand). VCF-style: chr2-178741402-A-T. GRCh37 (hg19) VCF-style: chr2-179606129-A-T.
Other names: c.10880T>A, p.Leu3627Ter (NM_001256850.1); c.10742T>A, p.Leu3581Ter (NM_003319.4); c.11117T>A, p.Leu3706Ter (NM_133432.3); c.11318T>A, p.Leu3773Ter (NM_133437.4); c.10361-3042T>A (NM_133378.4); short protein forms L3944*, L3773*, L3706*, L3581*, L3627*.
Identifiers: ClinVar variation 2923249 (VCV002923249.10), dbSNP rs2530718128, ClinGen allele CA349619003.
Genomic context (GRCh38, chr2:178,741,402, plus strand): 5'-TCTCCAACCACTGTGTACTCAAAGATGGCAGGAAGCCCTTGAGCACAGCGAATTGGTTTT[A>T]ACTCCTTAAGGAAGTGAGGAGGACAAGGACCTCCCAGCTTTTCCAGAGATTTTGCCACTG-3'

ClinVar aggregate classification (germline): Likely pathogenic. Review status: criteria provided, multiple submitters, no conflicts (2 of 4 stars). 3 submissions from 3 submitters: Likely pathogenic (3). Last evaluated 2026-01-30.

Conditions:
Cardiovascular phenotype. Identifiers: MedGen CN230736.
Dilated cardiomyopathy 1G (CMD1G). Identifiers: Orphanet 154, MedGen C1858763, MONDO:0011400, OMIM 604145.
Autosomal recessive limb-girdle muscular dystrophy type 2J (LGMDR10). Also called: Limb-girdle muscular dystrophy, type 2J; MUSCULAR DYSTROPHY, LIMB-GIRDLE, AUTOSOMAL RECESSIVE 10. Identifiers: Orphanet 140922, MedGen C1837342, MONDO:0012127, OMIM 608807.

gnomAD v4.1: 1 of 1,613,882 alleles (0.000062%); highest among the groups gnomAD compares: Non-Finnish European, 0.000085%; no homozygotes.

Submissions (3):

Ambry Genetics
Classification: Likely pathogenic for Cardiovascular phenotype. Last evaluated: 2026-01-30. Review status: criteria provided, single submitter. Criteria: Ambry Variant Classification Scheme 2023. Collection method: clinical testing. Allele origin: germline.
Comment: The c.10742T>A (p.L3581*) alteration, located in exon 45 (coding exon 44) of the TTN gene, consists of a T to A substitution at nucleotide position 10742. This changes the amino acid from a leucine (L) to a stop codon at amino acid position 3581. This variant is expected to result in loss of function by premature protein truncation or nonsense-mediated mRNA decay. This variant was not reported in population-based cohorts in the Genome Aggregation Database (gnomAD). This variant (also referred to as NM_133378.4:c.10361- 3042T>A) was reported in individual(s) with features consistent with dilated cardiomyopathy (Ramchand, 2020). This exon is located in the I-band region of the N2-B isoform of the titin protein and is constitutively expressed in TTN transcripts (percent spliced in or PSI 100%). While truncating variants in TTN are present in 1-3% of the general population, truncating variants in the A-band are the most common cause of dilated cardiomyopathy (Herman, 2012; Roberts, 2015). TTN truncating variants encoded in constitutive exons (PSI >90%) have been found to be significantly associated with DCM regardless of their position in titin (Schafer, 2017; Akhtar, 2020; Massier, 2025). Based on the available evidence, this alteration is classified as likely pathogenic.

CeGaT Center for Human Genetics Tuebingen
Classification: Likely pathogenic. Last evaluated: 2025-11-01. Review status: criteria provided, single submitter. Criteria: CeGaT Center For Human Genetics Tuebingen Variant Classification Criteria Version 2. Collection method: clinical testing. Allele origin: germline. Affected: yes. Observed: 1 variant allele.
Comment: TTN: PVS1:Strong, PM2, PS4:Supporting

Labcorp Genetics (formerly Invitae), Labcorp
Classification: Likely pathogenic for Dilated cardiomyopathy 1G; Autosomal recessive limb-girdle muscular dystrophy type 2J. Last evaluated: 2025-07-02. Review status: criteria provided, single submitter. Criteria: Invitae Variant Classification Sherloc (09022015). Collection method: clinical testing. Allele origin: germline.
Comment: This sequence change creates a premature translational stop signal (p.Leu3944*) in the TTN gene. While this is not anticipated to result in nonsense mediated decay, it is expected to create a truncated TTN protein. This variant is not present in population databases (gnomAD no frequency). This variant has not been observed in the literature in individuals with autosomal recessive TTN-related conditions. This variant has been reported in individual(s) with dilated cardiomyopathy (PMID: 31931689; internal data); however, the role of the variant in this condition is currently unclear. ClinVar contains an entry for this variant (Variation ID: 2923249). This variant is located in the I band of TTN (PMID: 25589632). Truncating variants in this region have been reported in individuals affected with autosomal recessive centronuclear myopathy (PMID: 23975875, internal data). Truncating variants in this region have also been identified in individuals affected with autosomal dominant dilated cardiomyopathy and/or cardio-related conditions (PMID: 27869827, 32964742, internal data). In summary, the currently available evidence indicates that the variant is pathogenic, but additional data are needed to prove that conclusively. Therefore, this variant has been classified as Likely Pathogenic.

Literature cited by the submitters: PubMed 22335739 (cited by Ambry Genetics); PubMed 25589632 (cited by Ambry Genetics and Labcorp Genetics (formerly Invitae), Labcorp); PubMed 27869827 (cited by Ambry Genetics and Labcorp Genetics (formerly Invitae), Labcorp); PubMed 31931689 (cited by Ambry Genetics and Labcorp Genetics (formerly Invitae), Labcorp); PubMed 32964742 (cited by Ambry Genetics and Labcorp Genetics (formerly Invitae), Labcorp); PubMed 39844436 (cited by Ambry Genetics); PubMed 23975875 (cited by Labcorp Genetics (formerly Invitae), Labcorp).